The following is an entry in ClinVar:

ClinVar aggregate classification (germline): Uncertain significance (1 of 4 stars; one submission).

Allele frequency attached by ClinVar (database versions not stated): gnomAD 0.00001; gnomAD exomes 0.00001; TOPMed 0.00001.
gnomAD v4.1: 12 of 1,612,452 alleles (0.00074%); highest among the groups gnomAD compares: Non-Finnish European, 0.00093%; no homozygotes.

Submission:

Labcorp Genetics (formerly Invitae), Labcorp
Classification: Uncertain significance. Last evaluated: 2022-03-13. Review status: criteria provided, single submitter. Criteria: Invitae Variant Classification Sherloc (09022015). Collection method: clinical testing. Allele origin: germline.
Comment: In summary, the available evidence is currently insufficient to determine the role of this variant in disease. Therefore, it has been classified as a Variant of Uncertain Significance. Algorithms developed to predict the effect of missense changes on protein structure and function are either unavailable or do not agree on the potential impact of this missense change (SIFT: "Tolerated"; PolyPhen-2: "Possibly Damaging"; Align-GVGD: "Class C0"). This variant has not been reported in the literature in individuals affected with GATA3-related conditions. This variant is not present in population databases (gnomAD no frequency). This sequence change replaces threonine, which is neutral and polar, with isoleucine, which is neutral and non-polar, at codon 221 of the GATA3 protein (p.Thr221Ile).

NM_001002295.2(GATA3):c.662C>T (p.Thr221Ile)

Gene: GATA3 (GATA binding protein 3; plus strand). Cytogenetic location: 10p14.
Variant type: single nucleotide variant.
Coding change: c.662C>T on transcript NM_001002295.2 (MANE Select); coding-DNA position 662, C replaced by T.
Protein change: p.Thr221Ile; replaces threonine 221 with isoleucine.
Molecular consequence: missense variant.
Genome position (GRCh38, 1-based): chr10:8,058,725, C>T. VCF-style: chr10-8058725-C-T. GRCh37 (hg19) VCF-style: chr10-8100688-C-T.
Other names: c.662C>T, p.Thr221Ile (NM_002051.3); short protein forms T221I.
Identifiers: ClinVar variation 2111006 (VCV002111006.4), dbSNP rs1281016276, ClinGen allele CA375970322.